The following is an entry in ClinVar:

NM_015354.3(NUP188):c.4510-1G>T

Gene: NUP188 (nucleoporin 188; plus strand). Cytogenetic location: 9q34.11.
Variant type: single nucleotide variant.
Coding change: c.4510-1G>T on transcript NM_015354.3 (MANE Select); the canonical splice acceptor site of the intron before coding-DNA position 4510, G replaced by T.
Molecular consequence: splice acceptor variant.
Genome position (GRCh38, 1-based): chr9:129,005,302, G>T. VCF-style: chr9-129005302-G-T. GRCh37 (hg19) VCF-style: chr9-131767581-G-T.
Identifiers: ClinVar variation 2659565 (VCV002659565.24), dbSNP rs767496683, ClinGen allele CA5273388.

ClinVar aggregate classification (germline): Uncertain significance (1 of 4 stars; one submission).

Allele frequency attached by ClinVar (database versions not stated): gnomAD exomes below 0.00001; ExAC 0.00001; gnomAD 0.00002; TOPMed 0.00002.
gnomAD v4.1: 9 of 1,613,856 alleles (0.00056%); highest among the groups gnomAD compares: Admixed American, 0.013%; no homozygotes.

Submission:

CeGaT Center for Human Genetics Tuebingen
Classification: Uncertain significance. Last evaluated: 2023-03-01. Review status: criteria provided, single submitter. Criteria: CeGaT Center For Human Genetics Tuebingen Variant Classification Criteria Version 2. Collection method: clinical testing. Allele origin: germline. Affected: yes. Observed: 1 variant allele.
Comment: NUP188: PM2, PVS1:Moderate, PM3:Supporting